The following is an entry in ClinVar:

NM_001367624.2(ZNF469):c.5098G>T (p.Ala1700Ser)

Gene: ZNF469 (zinc finger protein 469; plus strand). Cytogenetic location: 16q24.2.
Variant type: single nucleotide variant.
Coding change: c.5098G>T on transcript NM_001367624.2 (MANE Select); coding-DNA position 5098, G replaced by T.
Protein change: p.Ala1700Ser; replaces alanine 1700 with serine.
Molecular consequence: missense variant.
Genome position (GRCh38, 1-based): chr16:88,432,568, G>T. VCF-style: chr16-88432568-G-T. GRCh37 (hg19) VCF-style: chr16-88498976-G-T.
Other names: short protein forms A1700S.
Identifiers: ClinVar variation 2022506 (VCV002022506.4), dbSNP rs1906275034, ClinGen allele CA397095320.
Genomic context (GRCh38, chr16:88,432,568, plus strand): 5'-GTTTCTGGGGCTCCTTTCAGCCCCAGGGGAGCCAACTTCCATTTTCAGCCAGTGCAGAAA[G>T]CCGGAGCCTCCAAGACTGGACTTTGCCAGGCAGAAGGAGACAGCAGGCCCCCCCAAGATG-3'
Protein context (NP_001354553.1, residues 1690-1710): ANFHFQPVQK[Ala1700Ser]GASKTGLCQA

ClinVar aggregate classification (germline): Uncertain significance (1 of 4 stars; one submission).

Submission:

Labcorp Genetics (formerly Invitae), Labcorp
Classification: Uncertain significance. Last evaluated: 2021-12-01. Review status: criteria provided, single submitter. Criteria: Invitae Variant Classification Sherloc (09022015). Collection method: clinical testing. Allele origin: germline.
Comment: This sequence change replaces alanine, which is neutral and non-polar, with serine, which is neutral and polar, at codon 1672 of the ZNF469 protein (p.Ala1672Ser). This variant is not present in population databases (gnomAD no frequency). This variant has not been reported in the literature in individuals affected with ZNF469-related conditions. Algorithms developed to predict the effect of missense changes on protein structure and function output the following: SIFT: "Tolerated"; PolyPhen-2: "Benign"; Align-GVGD: "Class C0". The serine amino acid residue is found in multiple mammalian species, which suggests that this missense change does not adversely affect protein function. In summary, the available evidence is currently insufficient to determine the role of this variant in disease. Therefore, it has been classified as a Variant of Uncertain Significance.